The following is an entry in ClinVar:

NM_000875.5(IGF1R):c.385G>A (p.Gly129Arg)

Gene: IGF1R (insulin like growth factor 1 receptor; plus strand). Cytogenetic location: 15q26.3.
Variant type: single nucleotide variant.
Coding change: c.385G>A on transcript NM_000875.5 (MANE Select); coding-DNA position 385, G replaced by A.
Protein change: p.Gly129Arg; replaces glycine 129 with arginine.
Molecular consequence: missense variant.
Genome position (GRCh38, 1-based): chr15:98,707,852, G>A. VCF-style: chr15-98707852-G-A. GRCh37 (hg19) VCF-style: chr15-99251081-G-A.
Other names: c.385G>A, p.Gly129Arg (NM_001291858.2); short protein forms G129R.
Identifiers: ClinVar variation 3359553 (VCV003359553.1).

ClinVar aggregate classification (germline): Uncertain significance (1 of 4 stars; one submission).

Submission:

GeneDx
Classification: Uncertain significance. Last evaluated: 2023-06-09. Review status: criteria provided, single submitter. Criteria: GeneDx Variant Classification Process June 2021. Collection method: clinical testing. Allele origin: germline. Affected: yes.
Comment: Not observed at significant frequency in large population cohorts (gnomAD); In silico analysis supports that this missense variant has a deleterious effect on protein structure/function; Has not been previously published as pathogenic or benign to our knowledge